The following is an entry in ClinVar:

ClinVar aggregate classification (germline): Uncertain significance. Review status: criteria provided, multiple submitters, no conflicts (2 of 4 stars). 2 submissions from 2 submitters: Uncertain significance (2). Last evaluated 2026-07-07.

Conditions:
Malignant hyperthermia, susceptibility to, 1 (MHS1). Also called: Anesthesia related hyperthermia; Malignant hyperpyrexia; Fulminating hyperpyrexia; Pharmacogenic myopathy; RYR1-Related Malignant Hyperthermia Susceptibility; Malignant hyperthermia suceptibility 1. Identifiers: Orphanet 423, MedGen C2930980, MONDO:0007783, OMIM 145600.
Inborn genetic diseases. Identifiers: MedGen C0950123, MeSH D030342.

gnomAD v4.1: 2 of 1,613,970 alleles (0.00012%); highest among the groups gnomAD compares: Non-Finnish European, 0.00017%; no homozygotes.

Submissions (2):

Ambry Genetics
Classification: Uncertain significance for Inborn genetic diseases. Last evaluated: 2026-07-07. Review status: criteria provided, single submitter. Criteria: Ambry Variant Classification Scheme 2023. Collection method: clinical testing. Allele origin: germline.
Comment: The p.V1541L variant (also known as c.4621G>C) is located in coding exon 32 of the RYR1 gene. The valine at codon 1541 is replaced by leucine, an amino acid with highly similar properties. This change occurs in the first base pair of coding exon 32. This amino acid position is conserved. In addition, the in silico prediction for this alteration is inconclusive. Based on the available evidence, the clinical significance of this variant remains unclear.

Color Diagnostics, LLC DBA Color Health
Classification: Uncertain significance for Malignant hyperthermia, susceptibility to, 1. Last evaluated: 2024-04-17. Review status: criteria provided, single submitter. Criteria: ACMG Guidelines, 2015. Collection method: clinical testing. Allele origin: germline.
Comment: This missense variant replaces valine with leucine at codon 1541 of the RYR1 protein. Computational prediction is inconclusive regarding the impact of this variant on protein structure and function. To our knowledge, functional studies have not been reported for this variant. This variant has not been reported in individuals affected with RYR1-related disorders in the literature. This variant has been identified in 2/251372 chromosomes in the general population by the Genome Aggregation Database (gnomAD). The available evidence is insufficient to determine the role of this variant in disease conclusively. Therefore, this variant is classified as a Variant of Uncertain Significance.

NM_000540.3(RYR1):c.4621G>C (p.Val1541Leu)

Gene: RYR1 (ryanodine receptor 1; plus strand). Cytogenetic location: 19q13.2.
Variant type: single nucleotide variant.
Coding change: c.4621G>C on transcript NM_000540.3 (MANE Select); coding-DNA position 4621, G replaced by C.
Protein change: p.Val1541Leu; replaces valine 1541 with leucine.
Molecular consequence: missense variant.
Genome position (GRCh38, 1-based): chr19:38,483,027, G>C. VCF-style: chr19-38483027-G-C. GRCh37 (hg19) VCF-style: chr19-38973667-G-C.
Other names: c.4621G>C, p.Val1541Leu (NM_001042723.2); short protein forms V1541L.
Identifiers: ClinVar variation 4758657 (VCV004758657.2).